The following is an entry in ClinVar:

ClinVar aggregate classification (germline): Pathogenic (1 of 4 stars; one submission).

Conditions:
VPS13A-related neurodegenerative disease. Also called: ACANTHOCYTOSIS WITH NEUROLOGIC DISORDER; LEVINE-CRITCHLEY SYNDROME; Choreoacanthocytosis; Chorea-acanthocytosis; Choreaacanthocytosis; VPS13A Disease. Identifiers: Orphanet 2388, MedGen C0393576, MONDO:0008695, OMIM 200150.

Submission:

Myriad Genetics, Inc.
Classification: Pathogenic for VPS13A-related neurodegenerative disease. Last evaluated: 2024-05-14. Review status: criteria provided, single submitter. Criteria: Myriad Autosomal Dominant, Autosomal Recessive and X-Linked Classification Criteria (2023). Collection method: clinical testing. Allele origin: unknown.
Comment: NM_033305.2(VPS13A):c.2055_2057del3ins11(S686Lfs*9) is expected to be pathogenic in the context of VPS13A disease. This variant is predicted to lead to an abnormal or absent protein product due to the creation of a premature termination codon in VPS13A, a gene where loss-of-function variants are known to be pathogenic. Please note: this variant was assessed in the context of healthy population screening.

NM_033305.3(VPS13A):c.2055_2057delinsACTGTCTCTTA (p.Ser686fs)

Gene: VPS13A (vacuolar protein sorting 13 homolog A; plus strand). Cytogenetic location: 9q21.2.
Variant type: Indel.
Coding change: c.2055_2057delinsACTGTCTCTTA on transcript NM_033305.3 (MANE Select); coding-DNA positions 2055 to 2057, TTC replaced by ACTGTCTCTTA.
Protein change: p.Ser686fs; shifts the reading frame from serine 686.
Molecular consequence: frameshift variant.
Genome position (GRCh38, 1-based): chr9:77,250,114-77,250,116, TTC replaced by ACTGTCTCTTA. VCF-style: chr9-77250114-TTC-ACTGTCTCTTA. GRCh37 (hg19) VCF-style: chr9-79865030-TTC-ACTGTCTCTTA.
Other names: c.2055_2057delinsACTGTCTCTTA, p.Ser686fs (NM_001018037.2, NM_001018038.3, NM_015186.4); short protein forms S686fs.
Identifiers: ClinVar variation 5011023 (VCV005011023.1).